The following is an entry in ClinVar:

ClinVar aggregate classification (germline): Uncertain significance. Review status: criteria provided, single submitter (1 of 4 stars). 2 submissions from 2 submitters: Uncertain significance (1). 1 of the submissions does not count toward it. Last evaluated 2022-01-03.

Conditions:
MYH9-related disorder. Identifiers: MedGen C1854520.

Allele frequency attached by ClinVar (database versions not stated): gnomAD 0.00001; gnomAD exomes 0.00001; TOPMed 0.00001.
gnomAD v4.1: 19 of 1,610,984 alleles (0.0012%); highest among the groups gnomAD compares: Admixed American, 0.0033%; no homozygotes.

Submissions (3):

Labcorp Genetics (formerly Invitae), Labcorp
Classification: Uncertain significance. Last evaluated: 2022-01-03. Review status: criteria provided, single submitter. Criteria: Invitae Variant Classification Sherloc (09022015). Collection method: clinical testing. Allele origin: germline.
Comment: In summary, the available evidence is currently insufficient to determine the role of this variant in disease. Therefore, it has been classified as a Variant of Uncertain Significance. Algorithms developed to predict the effect of sequence changes on RNA splicing suggest that this variant may disrupt the consensus splice site. This variant has not been reported in the literature in individuals affected with MYH9-related conditions. This variant is present in population databases (rs760181168, gnomAD 0.007%). This sequence change falls in intron 28 of the MYH9 gene. It does not directly change the encoded amino acid sequence of the MYH9 protein.

PreventionGenetics, part of Exact Sciences
Classification: Uncertain significance for MYH9-related condition. Last evaluated: 2024-05-21. Review status: no assertion criteria provided. Collection method: clinical testing. Allele origin: germline. Not counted in ClinVar's aggregate classification.
Comment: The MYH9 c.3838-7G>A variant is predicted to interfere with splicing. To our knowledge, this variant has not been reported in the literature. This variant is reported in 0.0064% of alleles in individuals of African descent in gnomAD. At this time, the clinical significance of this variant is uncertain due to the absence of conclusive functional and genetic evidence.

Dr. Peter K. Rogan Lab, Western University
No classification provided (evidence only). Condition: Sarcoma. Review status: no classification provided. Collection method: in vitro. Allele origin: not applicable. Functional consequence: retained intron. Not counted in ClinVar's aggregate classification.

NM_002473.6(MYH9):c.3838-7G>A

Gene: MYH9 (myosin heavy chain 9; minus strand). Cytogenetic location: 22q12.3.
Variant type: single nucleotide variant.
Coding change: c.3838-7G>A on transcript NM_002473.6 (MANE Select); 7 bases into the intron before coding-DNA position 3838, G replaced by A.
Molecular consequence: intron variant.
Genome position (GRCh38, 1-based): chr22:36,293,870, C>T on the plus strand (G>A on the coding strand, the complement: MYH9 is on the minus strand). VCF-style: chr22-36293870-C-T. GRCh37 (hg19) VCF-style: chr22-36689916-C-T.
Other names: c.3838-7G>A (NM_002473.5).
Identifiers: ClinVar variation 2071833 (VCV002071833.6), dbSNP rs760181168, ClinGen allele CA10209542.
Genomic context (GRCh38, chr22:36,293,870, plus strand): 5'-GCTGGACTTGCTGTCGGACTGGCTGAGAAGCCCGGTCACGTTGTCCAGCTCCACCTGCAC[C>T]GGGCGGGGAGACACAAAGGACCATGGACCCACCCCCACTGCTCCTGCCCCACCTCATCTC-3'